The following is an entry in ClinVar:

NM_006005.3(WFS1):c.1082C>A (p.Thr361Asn)

Gene: WFS1 (wolframin ER transmembrane glycoprotein; plus strand). Cytogenetic location: 4p16.1.
Variant type: single nucleotide variant.
Coding change: c.1082C>A on transcript NM_006005.3 (MANE Select); coding-DNA position 1082, C replaced by A.
Protein change: p.Thr361Asn; replaces threonine 361 with asparagine.
Molecular consequence: missense variant.
Genome position (GRCh38, 1-based): chr4:6,300,877, C>A. VCF-style: chr4-6300877-C-A. GRCh37 (hg19) VCF-style: chr4-6302604-C-A.
Other names: c.1082C>A, p.Thr361Asn (NM_001145853.1); short protein forms T361N.
Identifiers: ClinVar variation 4997002 (VCV004997002.1).

ClinVar aggregate classification (germline): Uncertain significance (1 of 4 stars; one submission).

Conditions:
WFS1-related disorder. Identifiers: MedGen CN379391, MONDO:0700293.

gnomAD v4.1: 1 of 1,614,138 alleles (0.000062%); no homozygotes.

Submission:

PreventionGenetics, part of Exact Sciences
Classification: Uncertain significance for WFS1-related condition. Last evaluated: 2025-03-22. Review status: criteria provided, single submitter. Criteria: ACMG Guidelines, 2015. Collection method: clinical testing. Allele origin: germline.
Comment: The WFS1 c.1082C>A variant is predicted to result in the amino acid substitution p.Thr361Asn. To our knowledge, this variant has not been reported in the literature or in a large population database (gnomAD), indicating this variant is rare. At this time, the clinical significance of this variant is uncertain due to the absence of conclusive functional and genetic evidence.